The following is an entry in ClinVar:

ClinVar aggregate classification (germline): Uncertain significance. Review status: criteria provided, multiple submitters, no conflicts (2 of 4 stars). 2 submissions from 2 submitters: Uncertain significance (2). Last evaluated 2022-06-13.

Conditions:
Hereditary cancer-predisposing syndrome. Also called: Tumor predisposition; Hereditary neoplastic syndrome; Neoplastic Syndromes, Hereditary; Hereditary Cancer Syndrome. Identifiers: Orphanet 140162, MedGen C0027672, MeSH D009386, MONDO:0015356.
Familial adenomatous polyposis 1 (FAP1). Also called: FAMILIAL ADENOMATOUS POLYPOSIS 1, ATTENUATED; POLYPOSIS, ADENOMATOUS INTESTINAL. Identifiers: MedGen C2713442, MONDO:0021056, OMIM 175100. Disease mechanism: loss of function.

Submissions (2):

Labcorp Genetics (formerly Invitae), Labcorp
Classification: Uncertain significance for Familial adenomatous polyposis 1. Last evaluated: 2022-06-13. Review status: criteria provided, single submitter. Criteria: Invitae Variant Classification Sherloc (09022015). Collection method: clinical testing. Allele origin: germline.
Comment: In summary, the available evidence is currently insufficient to determine the role of this variant in disease. Therefore, it has been classified as a Variant of Uncertain Significance. Algorithms developed to predict the effect of missense changes on protein structure and function are either unavailable or do not agree on the potential impact of this missense change (SIFT: "Deleterious"; PolyPhen-2: "Probably Damaging"; Align-GVGD: "Class C0"). ClinVar contains an entry for this variant (Variation ID: 846371). This variant has not been reported in the literature in individuals affected with APC-related conditions. This variant is not present in population databases (gnomAD no frequency). This sequence change replaces tyrosine, which is neutral and polar, with histidine, which is basic and polar, at codon 316 of the APC protein (p.Tyr316His).

Ambry Genetics
Classification: Uncertain significance for Hereditary cancer-predisposing syndrome. Last evaluated: 2019-12-20. Review status: criteria provided, single submitter. Criteria: Ambry Variant Classification Scheme 2023. Collection method: clinical testing. Allele origin: germline.
Comment: The p.Y316H variant (also known as c.946T>C), located in coding exon 9 of the APC gene, results from a T to C substitution at nucleotide position 946. The tyrosine at codon 316 is replaced by histidine, an amino acid with similar properties. This amino acid position is highly conserved in available vertebrate species. In addition, in silico predictors for this gene do not accurately predict pathogenicity. Since supporting evidence is limited at this time, the clinical significance of this alteration remains unclear.

NM_000038.6(APC):c.946T>C (p.Tyr316His)

Gene: APC (APC regulator of Wnt signaling pathway; plus strand). Cytogenetic location: 5q22.2.
Variant type: single nucleotide variant.
Coding change: c.946T>C on transcript NM_000038.6 (MANE Select); coding-DNA position 946, T replaced by C.
Protein change: p.Tyr316His; replaces tyrosine 316 with histidine.
Molecular consequence: missense variant. On other transcripts: intron variant (4).
Genome position (GRCh38, 1-based): chr5:112,818,978, T>C. VCF-style: chr5-112818978-T-C. GRCh37 (hg19) VCF-style: chr5-112154675-T-C.
Other names: c.946T>C, p.Tyr316His (NM_001127510.3, NM_001354895.2, NM_001354896.2); c.892T>C, p.Tyr298His (NM_001127511.3); c.976T>C, p.Tyr326His (NM_001354897.2); c.871T>C, p.Tyr291His (NM_001354898.2); c.862T>C, p.Tyr288His (NM_001354899.2); c.769T>C, p.Tyr257His (NM_001354900.2, NM_001354901.2); c.97T>C, p.Tyr33His (NM_001354906.2); c.964-291T>C (NM_001354902.2); and 3 more; short protein forms Y288H, Y257H, Y291H, Y33H, Y298H, Y316H, Y326H.
Identifiers: ClinVar variation 846371 (VCV000846371.51), dbSNP rs1762803897, ClinGen allele CA16023380.